The following is an entry in ClinVar:

ClinVar aggregate classification (germline): Uncertain significance. Review status: criteria provided, multiple submitters, no conflicts (2 of 4 stars). 2 submissions from 2 submitters: Uncertain significance (2). Last evaluated 2025-04-07.

Conditions:
Inborn genetic diseases. Identifiers: MedGen C0950123, MeSH D030342.
Familial hemophagocytic lymphohistiocytosis 3 (FHL3). Also called: UNC13D-Related Familial Hemophagocytic Lymphohistiocytosis (UNC13D-fHLH). Identifiers: Orphanet 540, MedGen C1837174, MONDO:0012146, OMIM 608898.

Allele frequency attached by ClinVar (database versions not stated): gnomAD 0.00001; TOPMed 0.00001; ExAC 0.00004; gnomAD exomes 0.00004 and 0.00005.
gnomAD v4.1: 56 of 1,607,168 alleles (0.0035%); highest among the groups gnomAD compares: Admixed American, 0.017%; no homozygotes.

Submissions (2):

Ambry Genetics
Classification: Uncertain significance for Inborn genetic diseases. Last evaluated: 2025-04-07. Review status: criteria provided, single submitter. Criteria: Ambry Variant Classification Scheme 2023. Collection method: clinical testing. Allele origin: germline.

Labcorp Genetics (formerly Invitae), Labcorp
Classification: Uncertain significance for Familial hemophagocytic lymphohistiocytosis 3. Last evaluated: 2022-09-01. Review status: criteria provided, single submitter. Criteria: Invitae Variant Classification Sherloc (09022015). Collection method: clinical testing. Allele origin: germline.
Comment: This sequence change replaces threonine, which is neutral and polar, with methionine, which is neutral and non-polar, at codon 1008 of the UNC13D protein (p.Thr1008Met). This variant is present in population databases (rs777496354, gnomAD 0.03%). This variant has not been reported in the literature in individuals affected with UNC13D-related conditions. ClinVar contains an entry for this variant (Variation ID: 1501113). Algorithms developed to predict the effect of missense changes on protein structure and function are either unavailable or do not agree on the potential impact of this missense change (SIFT: "Not Available"; PolyPhen-2: "Benign"; Align-GVGD: "Not Available"). In summary, the available evidence is currently insufficient to determine the role of this variant in disease. Therefore, it has been classified as a Variant of Uncertain Significance.

NM_199242.3(UNC13D):c.3023C>T (p.Thr1008Met)

Gene: UNC13D (unc-13 homolog D; minus strand). Cytogenetic location: 17q25.1.
Variant type: single nucleotide variant.
Coding change: c.3023C>T on transcript NM_199242.3 (MANE Select); coding-DNA position 3023, C replaced by T.
Protein change: p.Thr1008Met; replaces threonine 1008 with methionine.
Molecular consequence: missense variant.
Genome position (GRCh38, 1-based): chr17:75,828,915, G>A on the plus strand (C>T on the coding strand, the complement: UNC13D is on the minus strand). VCF-style: chr17-75828915-G-A. GRCh37 (hg19) VCF-style: chr17-73824996-G-A.
Other names: c.3023C>T (NM_199242.2); short protein forms T1008M.
Identifiers: ClinVar variation 1501113 (VCV001501113.4), dbSNP rs777496354, ClinGen allele CA8772305.